The following is an entry in ClinVar:

NM_001037.5(SCN1B):c.284G>A (p.Ser95Asn)

Gene: SCN1B (sodium voltage-gated channel beta subunit 1; plus strand). Cytogenetic location: 19q13.11.
Variant type: single nucleotide variant.
Coding change: c.284G>A on transcript NM_001037.5 (MANE Select); coding-DNA position 284, G replaced by A.
Protein change: p.Ser95Asn; replaces serine 95 with asparagine.
Molecular consequence: missense variant.
Genome position (GRCh38, 1-based): chr19:35,033,575, G>A. VCF-style: chr19-35033575-G-A. GRCh37 (hg19) VCF-style: chr19-35524479-G-A.
Other names: c.185G>A, p.Ser62Asn (NM_001321605.2); c.284G>A, p.Ser95Asn (NM_199037.5); short protein forms S62N, S95N.
Identifiers: ClinVar variation 1462638 (VCV001462638.8), dbSNP rs1173359846, ClinGen allele CA405328696.

ClinVar aggregate classification (germline): Uncertain significance (1 of 4 stars; one submission).

Conditions:
Brugada syndrome 5 (BRGDA5). Identifiers: Orphanet 130, Orphanet 871, MedGen C2748541, MONDO:0013015, OMIM 612838.

Submission:

Labcorp Genetics (formerly Invitae), Labcorp
Classification: Uncertain significance for Brugada syndrome 5. Last evaluated: 2022-06-20. Review status: criteria provided, single submitter. Criteria: Invitae Variant Classification Sherloc (09022015). Collection method: clinical testing. Allele origin: germline.
Comment: This sequence change replaces serine, which is neutral and polar, with asparagine, which is neutral and polar, at codon 95 of the SCN1B protein (p.Ser95Asn). This variant is not present in population databases (gnomAD no frequency). This variant has not been reported in the literature in individuals affected with SCN1B-related conditions. Algorithms developed to predict the effect of missense changes on protein structure and function are either unavailable or do not agree on the potential impact of this missense change (SIFT: "Deleterious"; PolyPhen-2: "Possibly Damaging"; Align-GVGD: "Class C0"). In summary, the available evidence is currently insufficient to determine the role of this variant in disease. Therefore, it has been classified as a Variant of Uncertain Significance.